The following is an entry in ClinVar:

NM_006939.4(SOS2):c.260T>C (p.Ile87Thr)

Gene: SOS2 (SOS Ras/Rho guanine nucleotide exchange factor 2; minus strand). Cytogenetic location: 14q21.3.
Variant type: single nucleotide variant.
Coding change: c.260T>C on transcript NM_006939.4 (MANE Select); coding-DNA position 260, T replaced by C.
Protein change: p.Ile87Thr; replaces isoleucine 87 with threonine.
Molecular consequence: missense variant.
Genome position (GRCh38, 1-based): chr14:50,201,038, A>G on the plus strand (T>C on the coding strand, the complement: SOS2 is on the minus strand). VCF-style: chr14-50201038-A-G. GRCh37 (hg19) VCF-style: chr14-50667756-A-G.
Other names: short protein forms I87T.
Identifiers: ClinVar variation 1505346 (VCV001505346.11), dbSNP rs747274422, ClinGen allele CA7177571.

ClinVar aggregate classification (germline): Uncertain significance. Review status: criteria provided, multiple submitters, no conflicts (2 of 4 stars). 3 submissions from 3 submitters: Uncertain significance (3). Last evaluated 2025-12-16.

Conditions:
Noonan syndrome 9 (NS9). Identifiers: Orphanet 648, MedGen C4225282, MONDO:0014691, OMIM 616559.
Cardiovascular phenotype. Identifiers: MedGen CN230736.

Allele frequency attached by ClinVar (database versions not stated): gnomAD exomes below 0.00001 and 0.00001; ExAC 0.00001; gnomAD 0.00002 and 0.00003; TOPMed 0.00002.
gnomAD v4.1: 17 of 1,613,546 alleles (0.0011%); highest among the groups gnomAD compares: East Asian, 0.0022%; no homozygotes.

Submissions (3):

Labcorp Genetics (formerly Invitae), Labcorp
Classification: Uncertain significance for Noonan syndrome 9. Last evaluated: 2025-12-16. Review status: criteria provided, single submitter. Criteria: Invitae Variant Classification Sherloc (09022015). Collection method: clinical testing. Allele origin: germline.
Comment: This sequence change replaces isoleucine, which is neutral and non-polar, with threonine, which is neutral and polar, at codon 87 of the SOS2 protein (p.Ile87Thr). This variant is present in population databases (rs747274422, gnomAD 0.0009%). This variant has not been reported in the literature in individuals affected with SOS2-related conditions. ClinVar contains an entry for this variant (Variation ID: 1505346). Invitae Evidence Modeling of protein sequence and biophysical properties (such as structural, functional, and spatial information, amino acid conservation, physicochemical variation, residue mobility, and thermodynamic stability) indicates that this missense variant is not expected to disrupt SOS2 protein function with a negative predictive value of 95%. In summary, the available evidence is currently insufficient to determine the role of this variant in disease. Therefore, it has been classified as a Variant of Uncertain Significance.

Ambry Genetics
Classification: Uncertain significance for Cardiovascular phenotype. Last evaluated: 2021-08-26. Review status: criteria provided, single submitter. Criteria: Ambry Variant Classification Scheme 2023. Collection method: clinical testing. Allele origin: germline.
Comment: The p.I87T variant (also known as c.260T>C), located in coding exon 3 of the SOS2 gene, results from a T to C substitution at nucleotide position 260. The isoleucine at codon 87 is replaced by threonine, an amino acid with similar properties. This amino acid position is conserved. In addition, this alteration is predicted to be deleterious by in silico analysis. Since supporting evidence is limited at this time, the clinical significance of this alteration remains unclear.

Genome-Nilou Lab
Classification: Uncertain significance for Noonan syndrome 9. Review status: criteria provided, single submitter. Criteria: ACMG Guidelines, 2015. Collection method: clinical testing. Allele origin: germline.